The following is an entry in ClinVar:

NM_000305.3(PON2):c.358A>G (p.Ile120Val)

Genes: ASB4 (ankyrin repeat and SOCS box containing 4; plus strand), PON2 (paraoxonase 2; minus strand), LOC107986822 (uncharacterized LOC107986822; plus strand). Cytogenetic location: 7q21.3.
Variant type: single nucleotide variant.
Coding change: c.358A>G on transcript NM_000305.3 (MANE Select); coding-DNA position 358, A replaced by G.
Protein change: p.Ile120Val; replaces isoleucine 120 with valine.
Molecular consequence: missense variant.
Genome position (GRCh38, 1-based): chr7:95,412,321, T>C on the plus strand (A>G on the coding strand, the complement: PON2 is on the minus strand). VCF-style: chr7-95412321-T-C. GRCh37 (hg19) VCF-style: chr7-95041633-T-C.
Other names: c.358A>G, p.Ile120Val (NM_001018161.2); short protein forms I120V.
Identifiers: ClinVar variation 722381 (VCV000722381.5), dbSNP rs116397473, ClinGen allele CA4351087.
Genomic context (GRCh38, chr7:95,412,321, plus strand): 5'-ATTTGTGAACCATCACACGTTACTAAATGTTGGTAGCCCATTGGCTCTTACCGTTGTCTA[T>C]GAAAGTGCTGATGCCATGTGGATTGAATGAGGCCAAATCAAACCCACGACTGATTCTTAA-3'
Protein context (NP_000296.2, residues 110-130): SFNPHGISTF[Ile120Val]DNDDTVYLFV

ClinVar aggregate classification (germline): Likely benign. Review status: criteria provided, single submitter (1 of 4 stars). 2 submissions from 2 submitters: Likely benign (1). 1 of the submissions does not count toward it. Last evaluated 2019-12-31.

Allele frequency attached by ClinVar (database versions not stated): gnomAD exomes 0.00012; 1000 Genomes Project 0.00060; 1000 Genomes Project 30x 0.00062; gnomAD 0.00115 and 0.00129; TOPMed 0.00153; ESP Exome Variant Server 0.00169.
gnomAD v4.1: 350 of 1,614,142 alleles (0.022%); highest among the groups gnomAD compares: African/African-American, 0.41%; 1 homozygote.

Submissions (2):

Labcorp Genetics (formerly Invitae), Labcorp
Classification: Likely benign. Last evaluated: 2019-12-31. Review status: criteria provided, single submitter. Criteria: Invitae Variant Classification Sherloc (09022015). Collection method: clinical testing. Allele origin: germline.

Department of Pathology and Laboratory Medicine, Sinai Health System
Classification: Uncertain significance. Review status: no assertion criteria provided. Collection method: clinical testing. Allele origin: unknown. Affected: yes. Study: The Canadian Open Genetics Repository (COGR). Not counted in ClinVar's aggregate classification.
Comment: The PON2 p.Ile120Val variant was not identified in the literature nor was it identified in ClinVar, Cosmic or LOVD 3.0. The variant was identified in dbSNP (ID: rs116397473) and was also found in control databases in 127 of 282812 chromosomes at a frequency of 0.000449 increasing the likelihood this could be a low frequency benign variant (Genome Aggregation Database Feb 27, 2017). The variant was observed in the following populations: African in 114 of 24970 chromosomes (freq: 0.004565), Other in 3 of 7224 chromosomes (freq: 0.000415) and Latino in 10 of 35434 chromosomes (freq: 0.000282), while the variant was not observed in the Ashkenazi Jewish, East Asian, European (Finnish), European (non-Finnish) or South Asian populations. The variant occurs outside of the splicing consensus sequence and in silico or computational prediction software programs (SpliceSiteFinder, MaxEntScan, NNSPLICE, GeneSplicer) do not predict a difference in splicing. The p.Ile120 residue is conserved in mammals but not in more distantly related organisms however four out of five computational analyses (PolyPhen-2, SIFT, AlignGVGD, BLOSUM) do not suggest a high likelihood of impact to the protein; this information is not predictive enough to rule out pathogenicity. In summary, based on the above information the clinical significance of this variant cannot be determined with certainty at this time. This variant is classified as a variant of uncertain significance.